The following is an entry in ClinVar:

NM_001267550.2(TTN):c.104509C>G (p.Leu34837Val)

Genes: TTN (titin; minus strand), TTN-AS1 (TTN antisense RNA 1; plus strand). Cytogenetic location: 2q31.2.
Variant type: single nucleotide variant.
Coding change: c.104509C>G on transcript NM_001267550.2 (MANE Select); coding-DNA position 104509, C replaced by G.
Protein change: p.Leu34837Val; replaces leucine 34837 with valine.
Molecular consequence: missense variant.
Genome position (GRCh38, 1-based): chr2:178,532,106, G>C on the plus strand (C>G on the coding strand, the complement: TTN is on the minus strand). VCF-style: chr2-178532106-G-C. GRCh37 (hg19) VCF-style: chr2-179396833-G-C.
Other names: c.99586C>G, p.Leu33196Val (NM_001256850.1); c.77314C>G, p.Leu25772Val (NM_003319.4); c.96805C>G, p.Leu32269Val (NM_133378.4); c.77689C>G, p.Leu25897Val (NM_133432.3); c.77890C>G, p.Leu25964Val (NM_133437.4); short protein forms L25772V, L34837V, L33196V, L25897V, L25964V, L32269V.
Identifiers: ClinVar variation 1963934 (VCV001963934.5), dbSNP rs2468437785, ClinGen allele CA349411509.

ClinVar aggregate classification (germline): Uncertain significance (1 of 4 stars; one submission).

Conditions:
Autosomal recessive limb-girdle muscular dystrophy type 2J (LGMDR10). Also called: Limb-girdle muscular dystrophy, type 2J; MUSCULAR DYSTROPHY, LIMB-GIRDLE, AUTOSOMAL RECESSIVE 10. Identifiers: Orphanet 140922, MedGen C1837342, MONDO:0012127, OMIM 608807.
Dilated cardiomyopathy 1G (CMD1G). Identifiers: Orphanet 154, MedGen C1858763, MONDO:0011400, OMIM 604145.

Submission:

Labcorp Genetics (formerly Invitae), Labcorp
Classification: Uncertain significance for Dilated cardiomyopathy 1G; Autosomal recessive limb-girdle muscular dystrophy type 2J. Last evaluated: 2022-05-18. Review status: criteria provided, single submitter. Criteria: Invitae Variant Classification Sherloc (09022015). Collection method: clinical testing. Allele origin: germline.
Comment: This variant is not present in population databases (gnomAD no frequency). This sequence change replaces leucine, which is neutral and non-polar, with valine, which is neutral and non-polar, at codon 34837 of the TTN protein (p.Leu34837Val). This variant has not been reported in the literature in individuals affected with TTN-related conditions. This variant is located in the M band of TTN (PMID: 25589632). Variants in this region may be relevant for neuromuscular disorders, but have not been definitively shown to cause cardiomyopathy (PMID: 23975875). In summary, the available evidence is currently insufficient to determine the role of this variant in disease. Therefore, it has been classified as a Variant of Uncertain Significance. Experimental studies and prediction algorithms are not available or were not evaluated, and the functional significance of this variant is currently unknown.

Literature cited by the submitters: PubMed 25589632; PubMed 23975875.